The following is an entry in ClinVar:

NM_016169.4(SUFU):c.752T>G (p.Leu251Arg)

Gene: SUFU (SUFU negative regulator of hedgehog signaling; plus strand). Cytogenetic location: 10q24.32.
Variant type: single nucleotide variant.
Coding change: c.752T>G on transcript NM_016169.4 (MANE Select); coding-DNA position 752, T replaced by G.
Protein change: p.Leu251Arg; replaces leucine 251 with arginine.
Molecular consequence: missense variant.
Genome position (GRCh38, 1-based): chr10:102,594,061, T>G. VCF-style: chr10-102594061-T-G. GRCh37 (hg19) VCF-style: chr10-104353818-T-G.
Other names: c.752T>G, p.Leu251Arg (NM_001178133.2); short protein forms L251R.
Identifiers: ClinVar variation 3323532 (VCV003323532.2).
Genomic context (GRCh38, chr10:102,594,061, plus strand): 5'-GCCCCTGGCTGATAACTGACATGCGGAGGGGAGAGACCATATTTGAGATCGATCCACACC[T>G]GCAAGTATGTCTTGAGTGAGGAAAACCTTTCTAGCACCCTGTGCCTAGGCCTCTTCCAAA-3'
Protein context (NP_057253.2, residues 241-261): GETIFEIDPH[Leu251Arg]QERVDKGIET

ClinVar aggregate classification (germline): Uncertain significance. Review status: criteria provided, multiple submitters, no conflicts (2 of 4 stars). 2 submissions from 2 submitters: Uncertain significance (2). Last evaluated 2024-04-11.

Conditions:
Hereditary cancer-predisposing syndrome. Also called: Neoplastic Syndromes, Hereditary; Tumor predisposition; Hereditary neoplastic syndrome; Hereditary Cancer Syndrome. Identifiers: Orphanet 140162, MedGen C0027672, MeSH D009386, MONDO:0015356.

Submissions (2):

GeneDx
Classification: Uncertain significance. Last evaluated: 2024-04-11. Review status: criteria provided, single submitter. Criteria: GeneDx Variant Classification Process June 2021. Collection method: clinical testing. Allele origin: germline. Affected: yes.
Comment: Not observed at significant frequency in large population cohorts (gnomAD); In silico analysis supports that this missense variant has a deleterious effect on protein structure/function; In silico analysis suggests this variant may impact gene splicing. In the absence of RNA/functional studies, the actual effect of this sequence change is unknown.; Has not been previously published as pathogenic or benign to our knowledge; This variant is associated with the following publications: (PMID: 24311597)

Ambry Genetics
Classification: Uncertain significance for Hereditary cancer-predisposing syndrome. Last evaluated: 2024-03-16. Review status: criteria provided, single submitter. Criteria: Ambry Variant Classification Scheme 2023. Collection method: clinical testing. Allele origin: germline.
Comment: The p.L251R variant (also known as c.752T>G), located in coding exon 6 of the SUFU gene, results from a T to G substitution at nucleotide position 752. The leucine at codon 251 is replaced by arginine, an amino acid with dissimilar properties. This amino acid position is conserved. In addition, this alteration is predicted to be deleterious by in silico analysis. Based on the available evidence, the clinical significance of this alteration remains unclear.